The following is an entry in ClinVar:

NM_005104.4(BRD2):c.1497GGA[1] (p.Glu500del)

Gene: BRD2 (bromodomain containing 2; plus strand). Cytogenetic location: 6p21.32.
Variant type: Microsatellite.
Coding change: c.1497GGA[1] on transcript NM_005104.4 (MANE Select); one copy of the 3-base unit GGA starting at c.1497; the reference has two copies in a row; one copy, 3 bases deleted.
Protein change: p.Glu500del; deletes glutamic acid 500.
Molecular consequence: inframe deletion.
Genome position (GRCh38, 1-based): chr6:32,977,927-32,977,929, GGA deleted; deleting any 3 consecutive bases within chr6:32,977,922-32,977,929 gives the same sequence; the position shown is the placement nearest the transcript's 3' end. VCF-style (leftmost placement, unchanged base first): chr6-32977921-TGAG-T. GRCh37 (hg19) VCF-style: chr6-32945698-TGAG-T.
Other names: c.1497GGA[1], p.Glu500del (NM_001113182.3, NM_001199455.1); c.1356GGA[1], p.Glu453del (NM_001199456.2); c.1137GGA[1], p.Glu380del (NM_001291986.2); c.1359_1361delGGA (NM_001199456.1); short protein forms E500del, E453del, E380del.
Identifiers: ClinVar variation 95243 (VCV000095243.8), dbSNP rs3918142, ClinGen allele CA3748574.

ClinVar aggregate classification (germline): Uncertain significance. Review status: criteria provided, multiple submitters, no conflicts (2 of 4 stars). 3 submissions from 3 submitters: Uncertain significance (2). 1 of the submissions does not count toward it. Last evaluated 2013-07-03.

Conditions:
BRD2-related disorder. Also called: BRD2-related condition.

Submissions (3):

Eurofins Ntd Llc (ga)
Classification: Uncertain significance. Last evaluated: 2013-07-03. Review status: criteria provided, single submitter. Criteria: EGL Classification Definitions 2015. Collection method: clinical testing. Allele origin: germline. Observed: 1 variant allele, 1 heterozygote.

Breakthrough Genomics
Classification: Uncertain significance. Review status: criteria provided, single submitter. Criteria: ACMG Guidelines, 2015. Collection method: not provided. Allele origin: germline. Inheritance: Unknown mechanism. Affected: yes.

PreventionGenetics, part of Exact Sciences
Classification: Benign for BRD2-related condition. Last evaluated: 2019-04-09. Review status: no assertion criteria provided. Collection method: clinical testing. Allele origin: germline. Not counted in ClinVar's aggregate classification.
Comment: This variant is classified as benign based on ACMG/AMP sequence variant interpretation guidelines (Richards et al. 2015 PMID: 25741868, with internal and published modifications).